The following is an entry in ClinVar:

ClinVar aggregate classification (germline): Likely benign. Review status: criteria provided, multiple submitters, no conflicts (2 of 4 stars). 2 submissions from 2 submitters: Likely benign (2). Last evaluated 2018-06-14.

Allele frequency attached by ClinVar (database versions not stated): gnomAD 0.03157 and 0.03630; gnomAD exomes 0.03363; TOPMed 0.04475; 1000 Genomes Project 30x 0.08463; 1000 Genomes Project 0.09185.
gnomAD v4.1: 27,435 of 808,180 alleles (3.4%); highest among the groups gnomAD compares: East Asian, 29%; 2,491 homozygotes.

Submissions (2):

GeneDx
Classification: Likely benign. Last evaluated: 2018-06-14. Review status: criteria provided, single submitter. Criteria: GeneDx Variant Classification (06012015). Collection method: clinical testing. Allele origin: germline. Affected: yes.
Comment: This variant is considered likely benign or benign based on one or more of the following criteria: it is a conservative change, it occurs at a poorly conserved position in the protein, it is predicted to be benign by multiple in silico algorithms, and/or has population frequency not consistent with disease.

Breakthrough Genomics
Classification: Likely benign. Review status: criteria provided, single submitter. Criteria: ACMG Guidelines, 2015. Collection method: not provided. Allele origin: germline. Inheritance: Autosomal dominant inheritance. Affected: yes.

NM_006258.4(PRKG1):c.1403+101A>C

Gene: PRKG1 (protein kinase cGMP-dependent 1; plus strand). Cytogenetic location: 10q21.1.
Variant type: single nucleotide variant.
Coding change: c.1403+101A>C on transcript NM_006258.4 (MANE Select); 101 bases into the intron after coding-DNA position 1403, A replaced by C.
Molecular consequence: intron variant.
Genome position (GRCh38, 1-based): chr10:52,272,582, A>C. VCF-style: chr10-52272582-A-C. GRCh37 (hg19) VCF-style: chr10-54032342-A-C.
Other names: c.1358+101A>C (NM_001098512.3).
Identifiers: ClinVar variation 674910 (VCV000674910.2), dbSNP rs79637161, ClinGen allele CA207399888.
Genomic context (GRCh38, chr10:52,272,582, plus strand): 5'-GTTGCCCATGTTGGTCTATAAGAAGAGTTAATATGATAAAGTATAATAATCATATTTATA[A>C]TTTACACATGCTTATATTTCAATATTTAAAGTAAGCACAGGGCATAACCCACTATACACA-3'